The following is an entry in ClinVar:

NM_006516.4(SLC2A1):c.1432A>C (p.Thr478Pro)

Gene: SLC2A1 (solute carrier family 2 member 1; minus strand). Cytogenetic location: 1p34.2.
Variant type: single nucleotide variant.
Coding change: c.1432A>C on transcript NM_006516.4 (MANE Select); coding-DNA position 1432, A replaced by C.
Protein change: p.Thr478Pro; replaces threonine 478 with proline.
Molecular consequence: missense variant.
Genome position (GRCh38, 1-based): chr1:42,927,088, T>G on the plus strand (A>C on the coding strand, the complement: SLC2A1 is on the minus strand). VCF-style: chr1-42927088-T-G. GRCh37 (hg19) VCF-style: chr1-43392759-T-G.
Other names: short protein forms T478P.
Identifiers: ClinVar variation 4885226 (VCV004885226.2).
Genomic context (GRCh38, chr1:42,927,088, plus strand): 5'-GATCTGGGGCGACTCACACTTGGGAATCAGCCCCCAGGGGATGGAACAGCTCCTCGGGTG[T>G]CTTGTCACTTTGGCTGGCTCCCCCCTGCCGGAAGCCGGAAGCGATCTCATCGAAGGTCCG-3'
Protein context (NP_006507.2, residues 468-488): RQGGASQSDK[Thr478Pro]PEELFHPLGA

ClinVar aggregate classification (germline): Uncertain significance (1 of 4 stars; one submission).

Submission:

Dasa
Classification: Uncertain significance. Last evaluated: 2025-08-27. Review status: criteria provided, single submitter. Criteria: DASA Assertion Criteria. Collection method: clinical testing. Allele origin: germline.
Comment: NM_006516.4(SLC2A1):c.1432A>C (p.Thr478Pro) is a missense variant that results in the substitution of threonine with proline. This variant is rare in population databases. The currently available literature and clinical evidence are not sufficient to establish a definitive association between this variant and the reported condition. Therefore, this variant is classified as a variant of uncertain significance.